The following is an entry in ClinVar:

ClinVar aggregate classification (germline): Uncertain significance. Review status: criteria provided, multiple submitters, no conflicts (2 of 4 stars). 2 submissions from 2 submitters: Uncertain significance (2). Last evaluated 2025-11-12.

Conditions:
Inborn genetic diseases. Identifiers: MedGen C0950123, MeSH D030342.

Allele frequency attached by ClinVar (database versions not stated): TOPMed 0.00004.
gnomAD v4.1: 2 of 1,614,022 alleles (0.00012%); no homozygotes.

Submissions (2):

Ambry Genetics
Classification: Uncertain significance for Inborn genetic diseases. Last evaluated: 2025-11-12. Review status: criteria provided, single submitter. Criteria: Ambry Variant Classification Scheme 2023. Collection method: clinical testing. Allele origin: germline.

Labcorp Genetics (formerly Invitae), Labcorp
Classification: Uncertain significance. Last evaluated: 2024-06-25. Review status: criteria provided, single submitter. Criteria: Invitae Variant Classification Sherloc (09022015). Collection method: clinical testing. Allele origin: germline.
Comment: This sequence change replaces leucine, which is neutral and non-polar, with phenylalanine, which is neutral and non-polar, at codon 625 of the ADCY1 protein (p.Leu625Phe). This variant is not present in population databases (gnomAD no frequency). This variant has not been reported in the literature in individuals affected with ADCY1-related conditions. ClinVar contains an entry for this variant (Variation ID: 2169009). An algorithm developed to predict the effect of missense changes on protein structure and function (PolyPhen-2) suggests that this variant is likely to be tolerated. In summary, the available evidence is currently insufficient to determine the role of this variant in disease. Therefore, it has been classified as a Variant of Uncertain Significance.

NM_021116.4(ADCY1):c.1873C>T (p.Leu625Phe)

Gene: ADCY1 (adenylate cyclase 1; plus strand). Cytogenetic location: 7p12.3.
Variant type: single nucleotide variant.
Coding change: c.1873C>T on transcript NM_021116.4 (MANE Select); coding-DNA position 1873, C replaced by T.
Protein change: p.Leu625Phe; replaces leucine 625 with phenylalanine.
Molecular consequence: missense variant.
Genome position (GRCh38, 1-based): chr7:45,678,238, C>T. VCF-style: chr7-45678238-C-T. GRCh37 (hg19) VCF-style: chr7-45717837-C-T.
Other names: c.1873C>T (NM_021116.2); short protein forms L625F.
Identifiers: ClinVar variation 2169009 (VCV002169009.6), dbSNP rs867056835, ClinGen allele CA157996328.